The following is an entry in ClinVar:

NM_007118.4(TRIO):c.7264G>A (p.Ala2422Thr)

Gene: TRIO (trio Rho guanine nucleotide exchange factor; plus strand). Cytogenetic location: 5p15.2.
Variant type: single nucleotide variant.
Coding change: c.7264G>A on transcript NM_007118.4 (MANE Select); coding-DNA position 7264, G replaced by A.
Protein change: p.Ala2422Thr; replaces alanine 2422 with threonine.
Molecular consequence: missense variant.
Genome position (GRCh38, 1-based): chr5:14,487,892, G>A. VCF-style: chr5-14487892-G-A. GRCh37 (hg19) VCF-style: chr5-14488001-G-A.
Other names: short protein forms A2422T.
Identifiers: ClinVar variation 1683648 (VCV001683648.2), dbSNP rs1469803121, ClinGen allele CA359237132.

ClinVar aggregate classification (germline): Uncertain significance (1 of 4 stars; one submission).

Conditions:
Intellectual developmental disorder, autosomal dominant 63, with macrocephaly. Also called: MENTAL RETARDATION, AUTOSOMAL DOMINANT 63, WITH MACROCEPHALY. Identifiers: MedGen C5394205, MONDO:0032939, OMIM 618825.
Intellectual developmental disorder, autosomal dominant 44, with microcephaly. Also called: Micrognathia-recurrent infections-behavioral abnormalities-mild intellectual disability syndrome; TRIO-Related Intellectual Disability. Identifiers: Orphanet 476126, MedGen C4310740, MONDO:0014892, OMIM 617061.

Allele frequency attached by ClinVar (database versions not stated): gnomAD exomes 0.00001 and 0.00004; TOPMed 0.00001; gnomAD 0.00001.
gnomAD v4.1: 49 of 1,539,094 alleles (0.0032%); highest among the groups gnomAD compares: Non-Finnish European, 0.0042%; no homozygotes.

Submission:

Laboratorio de Genetica e Diagnostico Molecular, Hospital Israelita Albert Einstein
Classification: Uncertain significance for Intellectual developmental disorder, autosomal dominant 44, with microcephaly; Intellectual developmental disorder, autosomal dominant 63, with macrocephaly. Last evaluated: 2021-11-01. Review status: criteria provided, single submitter. Criteria: ACMG Guidelines, 2015. Collection method: clinical testing. Allele origin: germline. Affected: yes.
Comment: ACMG classification criteria: PM2 moderate, BP4 supporting